The following is an entry in ClinVar:

NM_000108.5(DLD):c.104_105insAA (p.Tyr35Ter)

Gene: DLD (dihydrolipoamide dehydrogenase; plus strand). Cytogenetic location: 7q31.1.
Variant type: Insertion.
Coding change: c.104_105insAA on transcript NM_000108.5 (MANE Select); coding-DNA positions 104 to 105, AA inserted.
Protein change: p.Tyr35Ter; replaces tyrosine 35 with a stop codon.
Molecular consequence: nonsense. On other transcripts: 5 prime UTR variant (1).
Genome position: GRCh38 VCF-style: chr7-107893263-T-TAA. GRCh37 (hg19) VCF-style: chr7-107533708-T-TAA.
Other names: c.-45_-44insAA (NM_001289750.1); c.104_105insAA, p.Tyr35Ter (NM_001289751.1, NM_001289752.1); short protein forms Y35*.
Identifiers: ClinVar variation 5007137 (VCV005007137.2).

ClinVar aggregate classification (germline): Likely pathogenic (1 of 4 stars; one submission).

Conditions:
Pyruvate dehydrogenase E3 deficiency (DLDD). Also called: Dihydrolipoamide Dehydrogenase E3 Deficiency; Dihydrolipoamide Dehydrogenase (E3) Deficiency; Lipoamide dehydrogenase deficiency, lactic acidosis due to; Dihydrolipoamide Dehydrogenase Deficiency; Lipoamide dehydrogenase deficiency; DLD DEFICIENCY. Identifiers: Orphanet 2394, Orphanet 765, MedGen C5574660, MONDO:0009529, OMIM 246900.

Submission:

Juno Genomics, Hangzhou Juno Genomics, Inc
Classification: Likely pathogenic for Pyruvate dehydrogenase E3 deficiency. Review status: criteria provided, single submitter. Criteria: ACMG Guidelines, 2015. Collection method: clinical testing. Allele origin: germline.
Comment: Null variant in a gene where loss of function (LOF) is a known mechanism of disease.;Absent from controls (or at extremely low frequency if recessive) in Genome Aggregation Database.